The following is an entry in ClinVar:

NM_005670.4(EPM2A):c.410A>G (p.Asn137Ser)

Gene: EPM2A (EPM2A glucan phosphatase, laforin; minus strand). Cytogenetic location: 6q24.3.
Variant type: single nucleotide variant.
Coding change: c.410A>G on transcript NM_005670.4 (MANE Select); coding-DNA position 410, A replaced by G.
Protein change: p.Asn137Ser; replaces asparagine 137 with serine.
Molecular consequence: missense variant. On other transcripts: 5 prime UTR variant (5), non-coding transcript variant (1).
Genome position (GRCh38, 1-based): chr6:145,686,188, T>C on the plus strand (A>G on the coding strand, the complement: EPM2A is on the minus strand). VCF-style: chr6-145686188-T-C. GRCh37 (hg19) VCF-style: chr6-146007324-T-C.
Other names: p.Asn137Ser; c.410A>G, p.Asn137Ser (NM_001018041.2, NM_001360057.2, NM_001368130.1); c.-5A>G (NM_001360064.2, NM_001360071.2, NM_001368131.1); c.-214A>G (NM_001368129.2, NM_001368132.1); short protein forms N137S.
Identifiers: ClinVar variation 462931 (VCV000462931.11), dbSNP rs61757376, ClinGen allele CA4035175.
Genomic context (GRCh38, chr6:145,686,188, plus strand): 5'-TAATGCATGGCTTGGTGGCCTGCAATATTAAAATAGAAGTCTGTTGTGTGCTTCATTTCA[T>C]TGGTGTGCCCAGTGGCCTCAATCCAGTGTCCTATTGGGAGACAATACACACCATCCACCA-3'
Protein context (NP_005661.1, residues 127-147): GHWIEATGHT[Asn137Ser]EMKHTTDFYF

ClinVar aggregate classification (germline): Uncertain significance. Review status: criteria provided, multiple submitters, no conflicts (2 of 4 stars). 5 submissions from 5 submitters: Uncertain significance (5). Last evaluated 2024-07-03.

Conditions:
Inborn genetic diseases. Identifiers: MedGen C0950123, MeSH D030342.
Progressive myoclonic epilepsy. Also called: Familial progressive myoclonic epilepsy; Myoclonus epilepsy; Progressive myoclonus epilepsy; Myoclonic Epilepsies, Progressive. Identifiers: Orphanet 308, Orphanet 98261, MedGen C0751778, MONDO:0020074.

Allele frequency attached by ClinVar (database versions not stated): ESP Exome Variant Server 0.00008; gnomAD 0.00010 and 0.00012; gnomAD exomes 0.00012 and 0.00018; TOPMed 0.00012; ExAC 0.00025.
gnomAD v4.1: 188 of 1,613,888 alleles (0.012%); highest among the groups gnomAD compares: Non-Finnish European, 0.015%; no homozygotes.

Submissions (5):

Mayo Clinic Laboratories, Mayo Clinic
Classification: Uncertain significance. Last evaluated: 2024-07-03. Review status: criteria provided, single submitter. Criteria: ACMG Guidelines, 2015. Collection method: clinical testing. Allele origin: germline. Observed: 1 variant allele.

Blueprint Genetics
Classification: Uncertain significance. Last evaluated: 2023-03-22. Review status: criteria provided, single submitter. Criteria: ACMG Guidelines, 2015. Collection method: clinical testing. Allele origin: germline.

Labcorp Genetics (formerly Invitae), Labcorp
Classification: Uncertain significance for Progressive myoclonic epilepsy. Last evaluated: 2022-10-05. Review status: criteria provided, single submitter. Criteria: Invitae Variant Classification Sherloc (09022015). Collection method: clinical testing. Allele origin: germline.
Comment: This sequence change replaces asparagine, which is neutral and polar, with serine, which is neutral and polar, at codon 137 of the EPM2A protein (p.Asn137Ser). This variant is present in population databases (rs61757376, gnomAD 0.03%). This variant has not been reported in the literature in individuals affected with EPM2A-related conditions. ClinVar contains an entry for this variant (Variation ID: 462931). Algorithms developed to predict the effect of missense changes on protein structure and function (SIFT, PolyPhen-2, Align-GVGD) all suggest that this variant is likely to be tolerated. In summary, the available evidence is currently insufficient to determine the role of this variant in disease. Therefore, it has been classified as a Variant of Uncertain Significance.

Ambry Genetics
Classification: Uncertain significance for Inborn genetic diseases. Last evaluated: 2022-09-29. Review status: criteria provided, single submitter. Criteria: Ambry Variant Classification Scheme 2023. Collection method: clinical testing. Allele origin: germline.

GeneDx
Classification: Uncertain significance. Last evaluated: 2021-01-22. Review status: criteria provided, single submitter. Criteria: GeneDx Variant Classification Process June 2021. Collection method: clinical testing. Allele origin: germline. Affected: yes.
Comment: In silico analysis supports that this missense variant does not alter protein structure/function; Has not been previously published as pathogenic or benign to our knowledge